The following is an entry in ClinVar:

ClinVar aggregate classification (germline): Benign/Likely benign. Review status: criteria provided, multiple submitters, no conflicts (2 of 4 stars). 4 submissions from 3 submitters: Benign (2); Likely benign (2). Last evaluated 2025-09-17.

Conditions:
Cutis laxa, autosomal dominant 1 (ADCL1). Also called: ELN-Related Cutis Laxa. Identifiers: Orphanet 90348, MedGen C3276539, MONDO:0007411, OMIM 123700. Disease mechanism: Dominant Negative.
Supravalvar aortic stenosis (SVAS). Also called: Supravalvar aortic stenosis, Eisenberg type. Identifiers: Orphanet 3193, MedGen C0003499, MONDO:0008504, OMIM 185500, HP:0004381.

Allele frequency attached by ClinVar (database versions not stated): gnomAD 0.00006 and 0.00008; gnomAD exomes 0.00008 and 0.00020; TOPMed 0.00021; ExAC 0.00022.
gnomAD v4.1: 132 of 1,614,236 alleles (0.0082%); highest among the groups gnomAD compares: East Asian, 0.26%; no homozygotes.

Submissions (4):

Labcorp Genetics (formerly Invitae), Labcorp
Classification: Likely benign for Supravalvar aortic stenosis. Last evaluated: 2025-09-17. Review status: criteria provided, single submitter. Criteria: Invitae Variant Classification Sherloc (09022015). Collection method: clinical testing. Allele origin: germline.

Blueprint Genetics
Classification: Likely benign. Last evaluated: 2024-05-22. Review status: criteria provided, single submitter. Criteria: ACMG Guidelines, 2015. Collection method: clinical testing. Allele origin: germline.

Illumina Laboratory Services, Illumina
Classification: Benign for Supravalvar aortic stenosis. Last evaluated: 2018-01-13. Review status: criteria provided, single submitter. Criteria: ICSL Variant Classification Criteria 13 December 2019. Collection method: clinical testing. Allele origin: germline.
Comment: This variant was observed in the ICSL laboratory as part of a predisposition screen in an ostensibly healthy population. It had not been previously curated by ICSL or reported in the Human Gene Mutation Database (HGMD: prior to June 1st, 2018), and was therefore a candidate for classification through an automated scoring system. Utilizing variant allele frequency, disease prevalence and penetrance estimates, and inheritance mode, an automated score was calculated to assess if this variant is too frequent to cause the disease. Based on the score and internal cut-off values, a variant classified as benign is not then subjected to further curation. The score for this variant resulted in a classification of benign for this disease.

Illumina Laboratory Services, Illumina
Classification: Benign for Cutis laxa, autosomal dominant 1. Last evaluated: 2018-01-13. Review status: criteria provided, single submitter. Criteria: ICSL Variant Classification Criteria 13 December 2019. Collection method: clinical testing. Allele origin: germline.
Comment: the same text as in the submission from Illumina Laboratory Services, Illumina above.

NM_000501.4(ELN):c.886G>A (p.Ala296Thr)

Gene: ELN (elastin; plus strand). Cytogenetic location: 7q11.23.
Variant type: single nucleotide variant.
Coding change: c.886G>A on transcript NM_000501.4 (MANE Select); coding-DNA position 886, G replaced by A.
Protein change: p.Ala296Thr; replaces alanine 296 with threonine.
Molecular consequence: missense variant.
Genome position (GRCh38, 1-based): chr7:74,051,836, G>A. VCF-style: chr7-74051836-G-A. GRCh37 (hg19) VCF-style: chr7-73466166-G-A.
Other names: c.856G>A, p.Ala286Thr (NM_001081752.3, NM_001278917.2); c.901G>A, p.Ala301Thr (NM_001081753.3, NM_001081754.3); c.886G>A, p.Ala296Thr (NM_001081755.3, NM_001278912.2, NM_001278915.2 and 1 more transcripts); c.778G>A, p.Ala260Thr (NM_001278913.2); c.871G>A, p.Ala291Thr (NM_001278914.2); c.844G>A, p.Ala282Thr (NM_001278916.2); c.754G>A, p.Ala252Thr (NM_001278918.2); short protein forms A296T, A252T, A260T, A301T, A286T, A282T, A291T.
Identifiers: ClinVar variation 360639 (VCV000360639.13), dbSNP rs782335529, ClinGen allele CA4292730.
Genomic context (GRCh38, chr7:74,051,836, plus strand): 5'-GGTGTTGGAGGGGCTGGTGTTCCTGGCGTGCCTGGGGCAATTCCTGGAATTGGAGGCATC[G>A]CAGGTAACATCTGTCCCAGCAGGGGGCGGGTGTGTCCTTGAGATGGCCACAGGGCAAGGA-3'
Protein context (NP_000492.2, residues 286-306): PGAIPGIGGI[Ala296Thr]GVGTPAAAAA